The following is an entry in ClinVar:

ClinVar aggregate classification (germline): Pathogenic (1 of 4 stars; one submission).

Conditions:
Marfan syndrome (MFS). Also called: MARFAN SYNDROME, TYPE I; Marfan syndrome type 1; Marfan's syndrome; Marfan syndrome, classic; FBN1-Related Marfan Syndrome. Identifiers: Orphanet 284963, Orphanet 558, MedGen C0024796, MONDO:0007947, OMIM 154700.
Familial thoracic aortic aneurysm and aortic dissection (TAAD). Also called: Thoracic aortic aneurysms and dissections. Identifiers: Orphanet 91387, MedGen C4707243, MONDO:0019625.

Submission:

Labcorp Genetics (formerly Invitae), Labcorp
Classification: Pathogenic for Marfan syndrome; Familial thoracic aortic aneurysm and aortic dissection. Last evaluated: 2021-03-10. Review status: criteria provided, single submitter. Criteria: Invitae Variant Classification Sherloc (09022015). Collection method: clinical testing. Allele origin: germline.
Comment: This variant affects a cysteine residue in the EGF-like, TGFBP or hybrid motif domains of FBN1. Cysteine residues are believed to be involved in intramolecular disulfide bridges and have been shown to be important for FBN1 protein structure (PMID: 16905551, 19349279). In addition, missense substitutions affecting cysteine residues within these domains are significantly overrepresented among patients with Marfan syndrome (PMID: 16571647, 17701892). This variant disrupts the p.Cys1947 amino acid residue in FBN1. Other variant(s) that disrupt this residue have been observed in individuals with FBN1-related conditions (PMID: 24793577), which suggests that this may be a clinically significant amino acid residue. For these reasons, this variant has been classified as Pathogenic. Advanced modeling of protein sequence and biophysical properties (such as structural, functional, and spatial information, amino acid conservation, physicochemical variation, residue mobility, and thermodynamic stability) performed at Invitae indicates that this missense variant is expected to disrupt FBN1 protein function. This sequence change replaces cysteine with serine at codon 1947 of the FBN1 protein (p.Cys1947Ser). The cysteine residue is highly conserved and there is a moderate physicochemical difference between cysteine and serine. This variant is not present in population databases (ExAC no frequency). This variant has been observed in individual(s) with clinical features of Marfan syndrome (Invitae).

Literature cited by the submitters: PubMed 16905551; PubMed 19349279; PubMed 16571647; PubMed 17701892; PubMed 24793577.

NM_000138.5(FBN1):c.5839T>A (p.Cys1947Ser)

Gene: FBN1 (fibrillin 1; minus strand). Cytogenetic location: 15q21.1.
Variant type: single nucleotide variant.
Coding change: c.5839T>A on transcript NM_000138.5 (MANE Select); coding-DNA position 5839, T replaced by A.
Protein change: p.Cys1947Ser; replaces cysteine 1947 with serine.
Molecular consequence: missense variant.
Genome position (GRCh38, 1-based): chr15:48,445,454, A>T on the plus strand (T>A on the coding strand, the complement: FBN1 is on the minus strand). VCF-style: chr15-48445454-A-T. GRCh37 (hg19) VCF-style: chr15-48737651-A-T.
Other names: short protein forms C1947S.
Identifiers: ClinVar variation 1453641 (VCV001453641.8), dbSNP rs1131691938, ClinGen allele CA392340091.